The following is an entry in ClinVar:

ClinVar aggregate classification (germline): Conflicting classifications of pathogenicity. Review status: criteria provided, conflicting classifications (1 of 4 stars). 3 submissions from 3 submitters: Uncertain significance (2); Likely benign (1). Last evaluated 2025-10-27.

Conditions:
CYP27A1-related disorder. Also called: CYP27A1-related condition.
Cardiovascular phenotype. Identifiers: MedGen CN230736.
Cholestanol storage disease (CTX). Also called: Cerebrotendinous Xanthomatosis; CTX: Cerebrotendinous xanthomatosis; CEREBRAL CHOLESTERINOSIS. Identifiers: Orphanet 909, MedGen C0238052, MONDO:0008948, OMIM 213700.

Allele frequency attached by ClinVar (database versions not stated): gnomAD exomes 0.00002; ExAC 0.00003; gnomAD 0.00003; TOPMed 0.00004; ESP Exome Variant Server 0.00008.
gnomAD v4.1: 29 of 1,614,044 alleles (0.0018%); highest among the groups gnomAD compares: Non-Finnish European, 0.0021%; no homozygotes.

Submissions (3):

Ambry Genetics
Classification: Likely benign for Cardiovascular phenotype. Last evaluated: 2025-10-27. Review status: criteria provided, single submitter. Criteria: Ambry Variant Classification Scheme 2023. Collection method: clinical testing. Allele origin: germline.

PreventionGenetics, part of Exact Sciences
Classification: Uncertain significance for CYP27A1-related condition. Last evaluated: 2023-06-16. Review status: criteria provided, single submitter. Criteria: ACMG Guidelines, 2015. Collection method: clinical testing. Allele origin: germline.
Comment: The CYP27A1 c.1556A>G variant is predicted to result in the amino acid substitution p.Asn519Ser. To our knowledge, this variant has not been reported in the literature. This variant is reported in 0.0039% of alleles in individuals of European (Non-Finnish) descent in gnomAD. At this time, the clinical significance of this variant is uncertain due to the absence of conclusive functional and genetic evidence.

Labcorp Genetics (formerly Invitae), Labcorp
Classification: Uncertain significance for Cholestanol storage disease. Last evaluated: 2022-07-19. Review status: criteria provided, single submitter. Criteria: Invitae Variant Classification Sherloc (09022015). Collection method: clinical testing. Allele origin: germline.
Comment: This sequence change replaces asparagine, which is neutral and polar, with serine, which is neutral and polar, at codon 519 of the CYP27A1 protein (p.Asn519Ser). The frequency data for this variant in the population databases is considered unreliable, as metrics indicate poor data quality at this position in the gnomAD database. This variant has not been reported in the literature in individuals affected with CYP27A1-related conditions. ClinVar contains an entry for this variant (Variation ID: 1389654). Advanced modeling of protein sequence and biophysical properties (such as structural, functional, and spatial information, amino acid conservation, physicochemical variation, residue mobility, and thermodynamic stability) performed at Invitae indicates that this missense variant is not expected to disrupt CYP27A1 protein function. Algorithms developed to predict the effect of sequence changes on RNA splicing suggest that this variant may create or strengthen a splice site. In summary, the available evidence is currently insufficient to determine the role of this variant in disease. Therefore, it has been classified as a Variant of Uncertain Significance.

NM_000784.4(CYP27A1):c.1556A>G (p.Asn519Ser)

Gene: CYP27A1 (cytochrome P450 family 27 subfamily A member 1; plus strand). Cytogenetic location: 2q35.
Variant type: single nucleotide variant.
Coding change: c.1556A>G on transcript NM_000784.4 (MANE Select); coding-DNA position 1556, A replaced by G.
Protein change: p.Asn519Ser; replaces asparagine 519 with serine.
Molecular consequence: missense variant.
Genome position (GRCh38, 1-based): chr2:218,814,990, A>G. VCF-style: chr2-218814990-A-G. GRCh37 (hg19) VCF-style: chr2-219679713-A-G.
Other names: short protein forms N519S.
Identifiers: ClinVar variation 1389654 (VCV001389654.7), dbSNP rs371510438, ClinGen allele CA2112942.